The following is an entry in ClinVar:

ClinVar aggregate classification (germline): Uncertain significance (1 of 4 stars; one submission).

Conditions:
Dyskeratosis congenita. Identifiers: Orphanet 1775, MedGen C0265965, MONDO:0015780.

Submission:

Ambry Genetics
Classification: Uncertain significance for Dyskeratosis congenita. Last evaluated: 2024-02-12. Review status: criteria provided, single submitter. Criteria: Ambry Variant Classification Scheme 2023. Collection method: clinical testing. Allele origin: germline.
Comment: The p.Q384H variant (also known as c.1152G>T), located in coding exon 2 of the TERT gene, results from a G to T substitution at nucleotide position 1152. The glutamine at codon 384 is replaced by histidine, an amino acid with highly similar properties. This amino acid position is conserved. In addition, this alteration is predicted to be tolerated by in silico analysis. Based on the available evidence, the clinical significance of this alteration remains unclear.

NM_198253.3(TERT):c.1152G>T (p.Gln384His)

Gene: TERT (telomerase reverse transcriptase; minus strand). Cytogenetic location: 5p15.33.
Variant type: single nucleotide variant.
Coding change: c.1152G>T on transcript NM_198253.3 (MANE Select); coding-DNA position 1152, G replaced by T.
Protein change: p.Gln384His; replaces glutamine 384 with histidine.
Molecular consequence: missense variant. On other transcripts: non-coding transcript variant (2).
Genome position (GRCh38, 1-based): chr5:1,293,734, C>A on the plus strand (G>T on the coding strand, the complement: TERT is on the minus strand). VCF-style: chr5-1293734-C-A. GRCh37 (hg19) VCF-style: chr5-1293849-C-A.
Other names: c.1152G>T, p.Gln384His (NM_001193376.3, NM_003219.1); short protein forms Q384H.
Identifiers: ClinVar variation 3238583 (VCV003238583.1), dbSNP rs1751157044.